The following is an entry in ClinVar:

ClinVar aggregate classification (germline): Uncertain significance. Review status: criteria provided, multiple submitters, no conflicts (2 of 4 stars). 2 submissions from 2 submitters: Uncertain significance (2). Last evaluated 2026-02-17.

Conditions:
Hereditary cancer-predisposing syndrome. Also called: Neoplastic Syndromes, Hereditary; Tumor predisposition; Hereditary neoplastic syndrome; Hereditary Cancer Syndrome. Identifiers: Orphanet 140162, MedGen C0027672, MeSH D009386, MONDO:0015356.
Rhabdoid tumor predisposition syndrome 2 (RTPS2). Identifiers: Orphanet 231108, Orphanet 69077, MedGen C2750074, MONDO:0013224, OMIM 613325.

gnomAD v4.1: 1 of 1,588,410 alleles (0.000063%); highest among the groups gnomAD compares: East Asian, 0.0023%; no homozygotes.

Submissions (2):

Ambry Genetics
Classification: Uncertain significance for Hereditary cancer-predisposing syndrome. Last evaluated: 2026-02-17. Review status: criteria provided, single submitter. Criteria: Ambry Variant Classification Scheme 2023. Collection method: clinical testing. Allele origin: germline.
Comment: The c.4266+1G>T intronic variant results from a G to T substitution one nucleotide after coding exon 29 of the SMARCA4 gene. This nucleotide position is highly conserved in limited sequence alignment. In silico splice site analysis for this alteration is inconclusive. RNA studies have demonstrated that this alteration results in a transcript predicted to lead to a protein with an in-frame loss of the 32 amino acids of coding exon 29. However, the exact functional impact of the deleted amino acids is unknown as this region of the SMARCA4 gene is excluded from other biologically relevant transcripts (Ambry internal data). Since supporting evidence is limited at this time, the clinical significance of this alteration remains unclear.

Labcorp Genetics (formerly Invitae), Labcorp
Classification: Uncertain significance for Rhabdoid tumor predisposition syndrome 2. Last evaluated: 2025-07-07. Review status: criteria provided, single submitter. Criteria: Invitae Variant Classification Sherloc (09022015). Collection method: clinical testing. Allele origin: germline.
Comment: This sequence change affects a donor splice site in intron 30 of the SMARCA4 gene. Loss-of-function variants in SMARCA4 are known to be pathogenic (PMID: 24658001, 24658002). However, tissue-specific alternative splicing of SMARCA4 gene results in functional isoforms lacking in-frame exon 30 (also known as exon 28B, PMID: 18437052). For this reason the clinical significance of loss of function variants in exon 30 is currently uncertain. The frequency data for this variant in the population databases is considered unreliable, as metrics indicate poor data quality at this position in the gnomAD database. This variant has not been reported in the literature in individuals affected with SMARCA4-related conditions. Disruption of this splice site has been observed in at least one individual who was not affected with SMARCA4-related conditions (internal data). ClinVar contains an entry for this variant (Variation ID: 408654). Algorithms developed to predict the effect of sequence changes on RNA splicing suggest that this variant may disrupt the consensus splice site. In summary, the available evidence is currently insufficient to determine the role of this variant in disease. Therefore, it has been classified as a Variant of Uncertain Significance.

Literature cited by the submitters: PubMed 24658001 (cited by Labcorp Genetics (formerly Invitae), Labcorp); PubMed 24658002 (cited by Labcorp Genetics (formerly Invitae), Labcorp).

NM_001387283.1(SMARCA4):c.4266+1G>T

Gene: SMARCA4 (SWI/SNF related BAF chromatin remodeling complex subunit ATPase 4; plus strand). Cytogenetic location: 19p13.2.
Variant type: single nucleotide variant.
Coding change: c.4266+1G>T on transcript NM_001387283.1 (MANE Plus Clinical); the canonical splice donor site of the intron after coding-DNA position 4266, G replaced by T.
Molecular consequence: splice donor variant. On other transcripts: intron variant (7).
Genome position (GRCh38, 1-based): chr19:11,039,554, G>T. VCF-style: chr19-11039554-G-T. GRCh37 (hg19) VCF-style: chr19-11150230-G-T.
Other names: c.4072-1753G>T (NM_001128848.2, NM_001374457.1, NM_001128847.4); c.4167+1G>T (NM_001411150.1); c.4072-1744G>T (NM_001128845.2, NM_001128846.2); c.4171-1753G>T (NM_001128844.3, NM_003072.5); c.4266+1G>T (NM_001128849.3).
Identifiers: ClinVar variation 408654 (VCV000408654.16), dbSNP rs1060502086, ClinGen allele CA16615984.